The following is an entry in ClinVar:

NM_178525.5(ACTL9):c.111C>T (p.Ser37=)

Gene: ACTL9 (actin like 9; minus strand). Cytogenetic location: 19p13.2.
Variant type: single nucleotide variant.
Coding change: c.111C>T on transcript NM_178525.5 (MANE Select); coding-DNA position 111, C replaced by T.
Protein change: p.Ser37=; no amino-acid change (serine 37 retained).
Molecular consequence: synonymous variant.
Genome position (GRCh38, 1-based): chr19:8,698,591, G>A on the plus strand (C>T on the coding strand, the complement: ACTL9 is on the minus strand). VCF-style: chr19-8698591-G-A. GRCh37 (hg19) VCF-style: chr19-8808941-G-A.
Identifiers: ClinVar variation 3770865 (VCV003770865.13).

ClinVar aggregate classification (germline): Likely benign (1 of 4 stars; one submission).

gnomAD v4.1: 369 of 1,612,348 alleles (0.023%); highest among the groups gnomAD compares: Non-Finnish European, 0.025%; no homozygotes.

Submission:

CeGaT Center for Human Genetics Tuebingen
Classification: Likely benign. Last evaluated: 2025-01-01. Review status: criteria provided, single submitter. Criteria: CeGaT Center For Human Genetics Tuebingen Variant Classification Criteria Version 2. Collection method: clinical testing. Allele origin: germline. Affected: yes. Observed: 1 variant allele.
Comment: ACTL9: BP4, BP7